The following is an entry in ClinVar:

NM_007294.4(BRCA1):c.335dup (p.Asn112fs)

Gene: BRCA1 (BRCA1 DNA repair associated; minus strand). Cytogenetic location: 17q21.31.
Variant type: Duplication.
Coding change: c.335dup on transcript NM_007294.4 (MANE Select); coding-DNA position 335, one base duplicated (A; older notation c.335dupA).
Protein change: p.Asn112fs; shifts the reading frame from asparagine 112.
Molecular consequence: frameshift variant. On other transcripts: non-coding transcript variant (1).
Genome position (GRCh38, 1-based): chr17:43,104,228, T duplicated on the plus strand (A on the coding strand, the reverse complement: BRCA1 is on the minus strand); the first of 4 consecutive T bases (chr17:43,104,228-43,104,231); duplicating any one gives the same sequence. VCF-style (leftmost placement, unchanged base first): chr17-43104227-A-AT. GRCh37 (hg19) VCF-style: chr17-41256244-A-AT.
Other names: c.335dupA (NM_007294.3); c.254dup, p.Asn86Lysfs (NM_001407660.1, NM_001407661.1, NM_001407662.1 and 21 more transcripts); c.332dup, p.Asn112Lysfs (NM_001407664.1, NM_001407665.1, NM_001407666.1 and 163 more transcripts); c.191dup, p.Asn65Lysfs (NM_001407692.1, NM_001407694.1, NM_001407695.1 and 98 more transcripts); c.122dup, p.Asn42Lysfs (NM_001407853.1, NM_001407879.1, NM_001407881.1 and 58 more transcripts); c.-50dup (NM_001407959.1, NM_001407960.1, NM_001407962.1 and 4 more transcripts); c.323dup, p.Asn109Lysfs (NM_001408408.1, NM_001407646.1, NM_001407647.1); c.200dup, p.Asn68Lysfs (NM_001408451.1); and 2 more; short protein forms N65fs, N112fs.
Identifiers: ClinVar variation 548240 (VCV000548240.2), dbSNP rs886040119, ClinGen allele CA658823836.

ClinVar aggregate classification (germline): Pathogenic (3 of 4 stars; one submission).

Conditions:
Breast-ovarian cancer, familial, susceptibility to, 1 (BROVCA1). Also called: BRCA1 Hereditary Breast and Ovarian Cancer; OVARIAN CANCER, SUSCEPTIBILITY TO. Identifiers: Orphanet 145, MedGen C2676676, MONDO:0011450, OMIM 604370. Disease mechanism: loss of function.

Submission:

Evidence-based Network for the Interpretation of Germline Mutant Alleles (ENIGMA)
Classification: Pathogenic for Breast-ovarian cancer, familial, susceptibility to, 1. Last evaluated: 2017-12-15. Review status: reviewed by expert panel. Criteria: ENIGMA BRCA1/2 Classification Criteria (2017-06-29). Collection method: curation. Allele origin: germline. Study: ENIGMA.
Comment: Variant allele predicted to encode a truncated non-functional protein.